The following is an entry in ClinVar:

NM_001080432.3(FTO):c.1276C>G (p.Leu426Val)

Gene: FTO (FTO alpha-ketoglutarate dependent dioxygenase; plus strand). Cytogenetic location: 16q12.2.
Variant type: single nucleotide variant.
Coding change: c.1276C>G on transcript NM_001080432.3 (MANE Select); coding-DNA position 1276, C replaced by G.
Protein change: p.Leu426Val; replaces leucine 426 with valine.
Molecular consequence: missense variant. On other transcripts: non-coding transcript variant (1), intron variant (2).
Genome position (GRCh38, 1-based): chr16:53,934,021, C>G. VCF-style: chr16-53934021-C-G. GRCh37 (hg19) VCF-style: chr16-53967933-C-G.
Other names: c.1306C>G, p.Leu436Val (NM_001363891.2); c.1339C>G, p.Leu447Val (NM_001363894.2); c.1198C>G, p.Leu400Val (NM_001363897.2); c.1162C>G, p.Leu388Val (NM_001363898.2, NM_001363899.2); c.1132C>G, p.Leu378Val (NM_001363900.2, NM_001363901.2); c.763C>G, p.Leu255Val (NM_001363905.2); c.1276C>G, p.Leu426Val (NM_001363988.2, NM_001438128.1, NM_001438129.1 and 1 more transcripts); c.1240-22662C>G (NM_001363896.2); and 1 more; short protein forms L388V, L400V, L255V, L378V, L436V, L426V, L447V.
Identifiers: ClinVar variation 1496928 (VCV001496928.6), dbSNP rs576410322, ClinGen allele CA396122990.

ClinVar aggregate classification (germline): Uncertain significance (1 of 4 stars; one submission).

gnomAD v4.1: 2 of 1,613,902 alleles (0.00012%); highest among the groups gnomAD compares: Non-Finnish European, 0.00017%; no homozygotes.

Submission:

Labcorp Genetics (formerly Invitae), Labcorp
Classification: Uncertain significance. Last evaluated: 2022-01-20. Review status: criteria provided, single submitter. Criteria: Invitae Variant Classification Sherloc (09022015). Collection method: clinical testing. Allele origin: germline.
Comment: In summary, the available evidence is currently insufficient to determine the role of this variant in disease. Therefore, it has been classified as a Variant of Uncertain Significance. Algorithms developed to predict the effect of missense changes on protein structure and function output the following: SIFT: "Tolerated"; PolyPhen-2: "Benign"; Align-GVGD: "Class C0". The valine amino acid residue is found in multiple mammalian species, which suggests that this missense change does not adversely affect protein function. This variant has not been reported in the literature in individuals affected with FTO-related conditions. This variant is not present in population databases (gnomAD no frequency). This sequence change replaces leucine, which is neutral and non-polar, with valine, which is neutral and non-polar, at codon 426 of the FTO protein (p.Leu426Val).